The following is an entry in ClinVar:

ClinVar aggregate classification (germline): Uncertain significance (1 of 4 stars; one submission).

Conditions:
Neuronal ceroid lipofuscinosis. Also called: Neuronal Ceroid Lipofuscinoses. Identifiers: Orphanet 216, Orphanet 79263, MedGen C0027877, MONDO:0016295. Disease mechanism: loss of function.

Allele frequency attached by ClinVar (database versions not stated): gnomAD exomes below 0.00001; ExAC 0.00001.
gnomAD v4.1: 1 of 1,614,130 alleles (0.000062%); highest among the groups gnomAD compares: African/African-American, 0.0013%; no homozygotes.

Submission:

Labcorp Genetics (formerly Invitae), Labcorp
Classification: Uncertain significance for Neuronal ceroid lipofuscinosis. Last evaluated: 2022-08-16. Review status: criteria provided, single submitter. Criteria: Invitae Variant Classification Sherloc (09022015). Collection method: clinical testing. Allele origin: germline.
Comment: This sequence change falls in intron 2 of the CLN3 gene. It does not directly change the encoded amino acid sequence of the CLN3 protein. It affects a nucleotide within the consensus splice site. This variant is present in population databases (rs763342226, gnomAD 0.007%). This variant has not been reported in the literature in individuals affected with CLN3-related conditions. Variants that disrupt the consensus splice site are a relatively common cause of aberrant splicing (PMID: 17576681, 9536098). Algorithms developed to predict the effect of sequence changes on RNA splicing suggest that this variant may disrupt the consensus splice site. In summary, the available evidence is currently insufficient to determine the role of this variant in disease. Therefore, it has been classified as a Variant of Uncertain Significance.

Literature cited by the submitters: PubMed 17576681; PubMed 9536098.

NM_001042432.2(CLN3):c.46+5G>A

Gene: CLN3 (CLN3 lysosomal/endosomal transmembrane protein, battenin; minus strand). Cytogenetic location: 16p12.1.
Variant type: single nucleotide variant.
Coding change: c.46+5G>A on transcript NM_001042432.2 (MANE Select); 5 bases into the intron after coding-DNA position 46, G replaced by A.
Molecular consequence: intron variant.
Genome position (GRCh38, 1-based): chr16:28,491,709, C>T on the plus strand (G>A on the coding strand, the complement: CLN3 is on the minus strand). VCF-style: chr16-28491709-C-T. GRCh37 (hg19) VCF-style: chr16-28503030-C-T.
Other names: c.-38+5G>A (NM_001286109.2, NM_001286110.2); c.46+5G>A (NM_001286104.2, NM_000086.2); c.-96+5G>A (NM_001286105.2).
Identifiers: ClinVar variation 2415096 (VCV002415096.3), dbSNP rs763342226, ClinGen allele CA7981121.